The following is an entry in ClinVar:

ClinVar aggregate classification (germline): Likely benign (1 of 4 stars; one submission).

Submission:

CeGaT Center for Human Genetics Tuebingen
Classification: Likely benign. Last evaluated: 2026-05-01. Review status: criteria provided, single submitter. Criteria: CeGaT Center For Human Genetics Tuebingen Variant Classification Criteria Version 2. Collection method: clinical testing. Allele origin: germline. Affected: yes. Observed: 2 variant alleles.
Comment: SLC39A14: BP4, BP7

NM_001128431.4(SLC39A14):c.354C>T (p.Cys118=)

Gene: SLC39A14 (solute carrier family 39 member 14; plus strand). Cytogenetic location: 8p21.3.
Variant type: single nucleotide variant.
Coding change: c.354C>T on transcript NM_001128431.4 (MANE Select); coding-DNA position 354, C replaced by T.
Protein change: p.Cys118=; no amino-acid change (cysteine 118 retained).
Molecular consequence: synonymous variant.
Genome position (GRCh38, 1-based): chr8:22,408,393, C>T. VCF-style: chr8-22408393-C-T. GRCh37 (hg19) VCF-style: chr8-22265906-C-T.
Other names: c.354C>T, p.Cys118= (NM_001135153.3, NM_001135154.3, NM_001351655.2 and 3 more transcripts); c.384C>T, p.Cys128= (NM_001351657.2, NM_001351658.2, NM_001351659.2).
Identifiers: ClinVar variation 3905489 (VCV003905489.10).